The following is an entry in ClinVar:

NM_001394372.1(BICRA):c.104T>C (p.Leu35Pro)

Gene: BICRA (BRD4 interacting chromatin remodeling complex associated protein; plus strand). Cytogenetic location: 19q13.33.
Variant type: single nucleotide variant.
Coding change: c.104T>C on transcript NM_001394372.1 (MANE Select); coding-DNA position 104, T replaced by C.
Protein change: p.Leu35Pro; replaces leucine 35 with proline.
Molecular consequence: missense variant.
Genome position (GRCh38, 1-based): chr19:47,675,870, T>C. VCF-style: chr19-47675870-T-C. GRCh37 (hg19) VCF-style: chr19-48179127-T-C.
Other names: c.104T>C, p.Leu35Pro (NM_015711.3); short protein forms L35P.
Identifiers: ClinVar variation 3376471 (VCV003376471.1).

ClinVar aggregate classification (germline): Uncertain significance (1 of 4 stars; one submission).

Conditions:
Coffin-Siris syndrome 12. Identifiers: MedGen C5444111, MONDO:0025699, OMIM 619325.

Submission:

Pittsburgh Clinical Genomics Laboratory, University of Pittsburgh Medical Center
Classification: Uncertain significance for Coffin-Siris syndrome 12. Last evaluated: 2024-04-10. Review status: criteria provided, single submitter. Criteria: ACMG Guidelines, 2015. Collection method: clinical testing. Allele origin: germline. Inheritance: Autosomal dominant inheritance. Affected: yes.
Comment: This sequence variant is a single nucleotide substitution (T>C) at position 104 of the coding sequence of the BICRA gene that results in a leucine to proline amino acid change at residue 35 of the BRD4 interacting chromatin remodeling complex associated protein. This variant is absent from ClinVar and has not been observed in individuals affected by a BICRA-related disorder in the published literature, to our knowledge. This variant is absent from the gnomAD v4.0.0 population database (0/~1,500,000 alleles). Bioinformatic tools are inconclusive if this amino acid change will be damaging or tolerated, and the Leu35 residue at this position is highly conserved across the vertebrate species examined. Studies examining the functional consequence of this variant have not been published, to our knowledge. At this time, there is insufficient evidence to determine if this variant is pathogenic or benign. Therefore, we consider this a variant of uncertain significance. ACMG Criteria: PM2